The following is an entry in ClinVar:

NM_003060.4(SLC22A5):c.1437C>G (p.Tyr479Ter)

Gene: SLC22A5 (solute carrier family 22 member 5; plus strand). Cytogenetic location: 5q31.1.
Variant type: single nucleotide variant.
Coding change: c.1437C>G on transcript NM_003060.4 (MANE Select); coding-DNA position 1437, C replaced by G.
Protein change: p.Tyr479Ter; replaces tyrosine 479 with a stop codon.
Molecular consequence: nonsense.
Genome position (GRCh38, 1-based): chr5:132,392,602, C>G. VCF-style: chr5-132392602-C-G. GRCh37 (hg19) VCF-style: chr5-131728294-C-G.
Other names: c.1509C>G, p.Tyr503Ter (NM_001308122.2); short protein forms Y503*, Y479*.
Identifiers: ClinVar variation 4773230 (VCV004773230.1).

ClinVar aggregate classification (germline): Pathogenic (1 of 4 stars; one submission).

Conditions:
Renal carnitine transport defect (CDSP). Also called: Systemic primary carnitine deficiency; Carnitine transporter deficiency; Carnitine Deficiency, Systemic; Systemic primary carnitine deficiency disease; CARNITINE DEFICIENCY, SYSTEMIC, DUE TO DEFECT IN RENAL REABSORPTION OF CARNITINE; CARNITINE TRANSPORTER, PLASMA-MEMBRANE, DEFICIENCY OF. Identifiers: Orphanet 158, MedGen C0342788, MONDO:0008919, OMIM 212140.

Submission:

Labcorp Genetics (formerly Invitae), Labcorp
Classification: Pathogenic for Renal carnitine transport defect. Last evaluated: 2025-09-03. Review status: criteria provided, single submitter. Criteria: Invitae Variant Classification Sherloc (09022015). Collection method: clinical testing. Allele origin: germline.
Comment: This sequence change creates a premature translational stop signal (p.Tyr479*) in the SLC22A5 gene. It is expected to result in an absent or disrupted protein product. Loss-of-function variants in SLC22A5 are known to be pathogenic (PMID: 9916797). This variant is not present in population databases (gnomAD no frequency). This variant has not been reported in the literature in individuals affected with SLC22A5-related conditions. Algorithms developed to predict the effect of sequence changes on RNA splicing suggest that this variant may disrupt the consensus splice site. For these reasons, this variant has been classified as Pathogenic.

Literature cited by the submitters: PubMed 9916797.